The following is an entry in ClinVar:

NM_006859.4(LIAS):c.943C>T (p.Arg315Cys)

Gene: LIAS (lipoic acid synthetase; plus strand). Cytogenetic location: 4p14.
Variant type: single nucleotide variant.
Coding change: c.943C>T on transcript NM_006859.4 (MANE Select); coding-DNA position 943, C replaced by T.
Protein change: p.Arg315Cys; replaces arginine 315 with cysteine.
Molecular consequence: missense variant.
Genome position (GRCh38, 1-based): chr4:39,471,295, C>T. VCF-style: chr4-39471295-C-T. GRCh37 (hg19) VCF-style: chr4-39472915-C-T.
Other names: c.943C>T (NM_006859.2); c.814C>T, p.Arg272Cys (NM_001278590.2); c.634C>T, p.Arg212Cys (NM_001363700.2); c.943C>T, p.Arg315Cys (NM_194451.3); short protein forms R315C, R212C, R272C.
Identifiers: ClinVar variation 1036174 (VCV001036174.5), dbSNP rs1397998638, ClinGen allele CA356665588.

ClinVar aggregate classification (germline): Uncertain significance. Review status: criteria provided, multiple submitters, no conflicts (2 of 4 stars). 2 submissions from 2 submitters: Uncertain significance (2). Last evaluated 2025-08-01.

Conditions:
Inborn genetic diseases. Identifiers: MedGen C0950123, MeSH D030342.
Lipoic acid synthetase deficiency. Also called: HYPERGLYCINEMIA, LACTIC ACIDOSIS, AND SEIZURES. Identifiers: Orphanet 401859, MedGen C3280887, MONDO:0013762, OMIM 614462.

Allele frequency attached by ClinVar (database versions not stated): TOPMed 0.00001.
gnomAD v4.1: 4 of 1,597,586 alleles (0.00025%); highest among the groups gnomAD compares: Non-Finnish European, 0.00034%; no homozygotes.

Submissions (2):

Ambry Genetics
Classification: Uncertain significance for Inborn genetic diseases. Last evaluated: 2025-08-01. Review status: criteria provided, single submitter. Criteria: Ambry Variant Classification Scheme 2023. Collection method: clinical testing. Allele origin: germline.

Labcorp Genetics (formerly Invitae), Labcorp
Classification: Uncertain significance for Lipoic acid synthetase deficiency. Last evaluated: 2021-11-18. Review status: criteria provided, single submitter. Criteria: Invitae Variant Classification Sherloc (09022015). Collection method: clinical testing. Allele origin: germline.
Comment: This sequence change replaces arginine, which is basic and polar, with cysteine, which is neutral and slightly polar, at codon 315 of the LIAS protein (p.Arg315Cys). The frequency data for this variant in the population databases is considered unreliable, as metrics indicate poor data quality at this position in the gnomAD database. This variant has not been reported in the literature in individuals affected with LIAS-related conditions. ClinVar contains an entry for this variant (Variation ID: 1036174). Algorithms developed to predict the effect of missense changes on protein structure and function (SIFT, PolyPhen-2, Align-GVGD) all suggest that this variant is likely to be disruptive. Algorithms developed to predict the effect of sequence changes on RNA splicing suggest that this variant may create or strengthen a splice site. In summary, the available evidence is currently insufficient to determine the role of this variant in disease. Therefore, it has been classified as a Variant of Uncertain Significance.